The following is an entry in ClinVar:

NM_002303.6(LEPR):c.2190C>A (p.Thr730=)

Genes: LEPR (leptin receptor; plus strand), LOC122094844 (Sharpr-MPRA regulatory region 5730; plus strand). Cytogenetic location: 1p31.3.
Variant type: single nucleotide variant.
Coding change: c.2190C>A on transcript NM_002303.6 (MANE Select); coding-DNA position 2190, C replaced by A.
Protein change: p.Thr730=; no amino-acid change (threonine 730 retained).
Molecular consequence: synonymous variant.
Genome position (GRCh38, 1-based): chr1:65,616,202, C>A. VCF-style: chr1-65616202-C-A. GRCh37 (hg19) VCF-style: chr1-66081885-C-A.
Other names: c.2190C>A, p.Thr730= (NM_001003679.3, NM_001003680.3, NM_001198687.2 and 2 more transcripts).
Identifiers: ClinVar variation 3356444 (VCV003356444.1).

ClinVar aggregate classification (germline): Likely benign (0 of 4 stars; one submission).

Conditions:
LEPR-related disorder. Also called: LEPR-related condition; LEPR-related disorders.

gnomAD v4.1: 1 of 1,613,962 alleles (0.000062%); highest among the groups gnomAD compares: East Asian, 0.0022%; no homozygotes.

Submission:

PreventionGenetics, part of Exact Sciences
Classification: Likely benign for LEPR-related condition. Last evaluated: 2023-05-10. Review status: no assertion criteria provided. Collection method: clinical testing. Allele origin: germline.
Comment: This variant is classified as likely benign based on ACMG/AMP sequence variant interpretation guidelines (Richards et al. 2015 PMID: 25741868, with internal and published modifications).